The following is an entry in ClinVar:

ClinVar aggregate classification (germline): Uncertain significance. Review status: criteria provided, multiple submitters, no conflicts (2 of 4 stars). 2 submissions from 2 submitters: Uncertain significance (2). Last evaluated 2025-07-28.

Conditions:
Inborn genetic diseases. Identifiers: MedGen C0950123, MeSH D030342.
CHARGE syndrome (CHARGE). Also called: Hittner Hirsch Kreh syndrome; CHARGE ASSOCIATION--COLOBOMA, HEART ANOMALY, CHOANAL ATRESIA, RETARDATION, GENITAL AND EAR ANOMALIES; Coloboma, heart anomaly, choanal atresia, retardation, genital and ear anomalies; CHARGE association; Hall-Hittner syndrome. Identifiers: Orphanet 138, MedGen C0265354, MONDO:0008965.

gnomAD v4.1: 2 of 1,595,520 alleles (0.00013%); highest among the groups gnomAD compares: Non-Finnish European, 0.00017%; no homozygotes.

Submissions (2):

Labcorp Genetics (formerly Invitae), Labcorp
Classification: Uncertain significance for CHARGE syndrome. Last evaluated: 2025-07-28. Review status: criteria provided, single submitter. Criteria: Invitae Variant Classification Sherloc (09022015). Collection method: clinical testing. Allele origin: germline.
Comment: This sequence change replaces threonine, which is neutral and polar, with serine, which is neutral and polar, at codon 2381 of the CHD7 protein (p.Thr2381Ser). This variant is not present in population databases (gnomAD no frequency). This variant has not been reported in the literature in individuals affected with CHD7-related conditions. ClinVar contains an entry for this variant (Variation ID: 3492066). Invitae Evidence Modeling of protein sequence and biophysical properties (such as structural, functional, and spatial information, amino acid conservation, physicochemical variation, residue mobility, and thermodynamic stability) indicates that this missense variant is not expected to disrupt CHD7 protein function with a negative predictive value of 95%. Algorithms developed to predict the effect of sequence changes on RNA splicing suggest that this variant may create or strengthen a splice site. In summary, the available evidence is currently insufficient to determine the role of this variant in disease. Therefore, it has been classified as a Variant of Uncertain Significance.

Ambry Genetics
Classification: Uncertain significance for Inborn genetic diseases. Last evaluated: 2024-09-03. Review status: criteria provided, single submitter. Criteria: Ambry Variant Classification Scheme 2023. Collection method: clinical testing. Allele origin: germline.

NM_017780.4(CHD7):c.7142C>G (p.Thr2381Ser)

Gene: CHD7 (chromodomain helicase DNA binding protein 7; plus strand). Cytogenetic location: 8q12.2.
Variant type: single nucleotide variant.
Coding change: c.7142C>G on transcript NM_017780.4 (MANE Select); coding-DNA position 7142, C replaced by G.
Protein change: p.Thr2381Ser; replaces threonine 2381 with serine.
Molecular consequence: missense variant. On other transcripts: intron variant (1).
Genome position (GRCh38, 1-based): chr8:60,856,180, C>G. VCF-style: chr8-60856180-C-G. GRCh37 (hg19) VCF-style: chr8-61768739-C-G.
Other names: c.1717-6049C>G (NM_001316690.1); short protein forms T2381S.
Identifiers: ClinVar variation 3492066 (VCV003492066.2).